The following is an entry in ClinVar:

NM_018136.5(ASPM):c.9254T>C (p.Ile3085Thr)

Gene: ASPM (assembly factor for spindle microtubules; minus strand). Cytogenetic location: 1q31.3.
Variant type: single nucleotide variant.
Coding change: c.9254T>C on transcript NM_018136.5 (MANE Select); coding-DNA position 9254, T replaced by C.
Protein change: p.Ile3085Thr; replaces isoleucine 3085 with threonine.
Molecular consequence: missense variant.
Genome position (GRCh38, 1-based): chr1:197,093,092, A>G on the plus strand (T>C on the coding strand, the complement: ASPM is on the minus strand). VCF-style: chr1-197093092-A-G. GRCh37 (hg19) VCF-style: chr1-197062222-A-G.
Other names: c.4499T>C, p.Ile1500Thr (NM_001206846.2); short protein forms I3085T, I1500T.
Identifiers: ClinVar variation 157906 (VCV000157906.68), dbSNP rs138138436, ClinGen allele CA171273.

ClinVar aggregate classification (germline): Conflicting classifications of pathogenicity. Review status: criteria provided, conflicting classifications (1 of 4 stars). 11 submissions from 11 submitters: Uncertain significance (1); Benign (3); Likely benign (4). 3 of the submissions do not count toward it. Last evaluated 2026-09-01.

Conditions:
ASPM-related disorder. Also called: ASPM-related condition.
Inborn genetic diseases. Identifiers: MedGen C0950123, MeSH D030342.
Microcephaly 5, primary, autosomal recessive (MCPH5). Also called: ASPM Primary Microcephaly. Identifiers: Orphanet 2512, MedGen C1837501, MONDO:0012106, OMIM 608716.

Allele frequency attached by ClinVar (database versions not stated): TOPMed 0.00150; ESP Exome Variant Server 0.00154; gnomAD 0.00155 and 0.00164; 1000 Genomes Project 30x 0.00156; gnomAD exomes 0.00164 and 0.00196; ExAC 0.00176; 1000 Genomes Project 0.00180.
gnomAD v4.1: 3,074 of 1,611,970 alleles (0.19%); highest among the groups gnomAD compares: South Asian, 0.44%; 15 homozygotes.

Submissions (11):

CeGaT Center for Human Genetics Tuebingen
Classification: Likely benign. Last evaluated: 2026-09-01. Review status: criteria provided, single submitter. Criteria: CeGaT Center For Human Genetics Tuebingen Variant Classification Criteria Version 2. Collection method: clinical testing. Allele origin: germline. Affected: yes. Observed: 13 variant alleles.
Comment: ASPM: BP4, BS2

Labcorp Genetics (formerly Invitae), Labcorp
Classification: Benign. Last evaluated: 2026-01-22. Review status: criteria provided, single submitter. Criteria: Invitae Variant Classification Sherloc (09022015). Collection method: clinical testing. Allele origin: germline.

Ambry Genetics
Classification: Likely benign for Inborn genetic diseases. Last evaluated: 2023-11-27. Review status: criteria provided, single submitter. Criteria: Ambry Variant Classification Scheme 2023. Collection method: clinical testing. Allele origin: germline.

GeneDx
Classification: Likely benign. Last evaluated: 2020-06-19. Review status: criteria provided, single submitter. Criteria: GeneDx Variant Classification Process June 2021. Collection method: clinical testing. Allele origin: germline. Affected: yes.

Athena Diagnostics
Classification: Benign. Last evaluated: 2019-03-28. Review status: criteria provided, single submitter. Criteria: Athena Diagnostics Criteria. Collection method: clinical testing. Allele origin: germline.

Genomic Research Center, Shahid Beheshti University of Medical Sciences
Classification: Likely benign for Primary autosomal recessive microcephaly 5. Last evaluated: 2018-10-12. Review status: criteria provided, single submitter. Criteria: ACMG Guidelines, 2015. Collection method: clinical testing. Allele origin: germline. Affected: yes.

Illumina Laboratory Services, Illumina
Classification: Uncertain significance for Microcephaly 5, primary, autosomal recessive. Last evaluated: 2018-01-12. Review status: criteria provided, single submitter. Criteria: ICSL Variant Classification Criteria 13 December 2019. Collection method: clinical testing. Allele origin: germline.

Genetic Services Laboratory, University of Chicago
Classification: Benign. Last evaluated: 2013-04-02. Review status: criteria provided, single submitter. Criteria: ACMG Guidelines, 2007. Collection method: clinical testing. Allele origin: germline. Inheritance: Autosomal recessive inheritance.

PreventionGenetics, part of Exact Sciences
Classification: Likely benign for ASPM-related condition. Last evaluated: 2020-04-02. Review status: no assertion criteria provided. Collection method: clinical testing. Allele origin: germline. Not counted in ClinVar's aggregate classification.
Comment: This variant is classified as likely benign based on ACMG/AMP sequence variant interpretation guidelines (Richards et al. 2015 PMID: 25741868, with internal and published modifications).

Clinical Genetics DNA and cytogenetics Diagnostics Lab, Erasmus MC, Erasmus Medical Center
Classification: Likely benign. Review status: no assertion criteria provided. Collection method: clinical testing. Allele origin: germline. Affected: yes. Study: VKGL Data-share Consensus. Not counted in ClinVar's aggregate classification.

Laboratory of Diagnostic Genome Analysis, Leiden University Medical Center (LUMC)
Classification: Likely benign. Review status: no assertion criteria provided. Collection method: clinical testing. Allele origin: germline. Affected: yes. Study: VKGL Data-share Consensus. Not counted in ClinVar's aggregate classification.